The following is an entry in ClinVar:

NM_002875.5(RAD51):c.611T>C (p.Leu204Pro)

Gene: RAD51 (RAD51 recombinase; plus strand). Cytogenetic location: 15q15.1.
Variant type: single nucleotide variant.
Coding change: c.611T>C on transcript NM_002875.5 (MANE Select); coding-DNA position 611, T replaced by C.
Protein change: p.Leu204Pro; replaces leucine 204 with proline.
Molecular consequence: missense variant.
Genome position (GRCh38, 1-based): chr15:40,728,791, T>C. VCF-style: chr15-40728791-T-C. GRCh37 (hg19) VCF-style: chr15-41020989-T-C.
Other names: c.614T>C, p.Leu205Pro (NM_001164269.2, NM_133487.4); c.611T>C, p.Leu204Pro (NM_001164270.2); short protein forms L205P, L204P.
Identifiers: ClinVar variation 3429544 (VCV003429544.1).
Genomic context (GRCh38, chr15:40,728,791, plus strand): 5'-ATGTCCTGGATAATGTAGCATATGCTCGAGCGTTCAACACAGACCACCAGACCCAGCTCC[T>C]TTATCAAGCATCAGCCATGATGGTAGAATCTAGGTATGTGTTCAGTATAAGACACCAAAT-3'
Protein context (NP_002866.2, residues 194-214): AFNTDHQTQL[Leu204Pro]YQASAMMVES

ClinVar aggregate classification (germline): Uncertain significance (1 of 4 stars; one submission).

Conditions:
Inborn genetic diseases. Identifiers: MedGen C0950123, MeSH D030342.

Submission:

Ambry Genetics
Classification: Uncertain significance for Inborn genetic diseases. Last evaluated: 2024-06-28. Review status: criteria provided, single submitter. Criteria: Ambry Variant Classification Scheme 2023. Collection method: clinical testing. Allele origin: germline.
Comment: The p.L204P variant (also known as c.611T>C), located in coding exon 6 of the RAD51 gene, results from a T to C substitution at nucleotide position 611. The leucine at codon 204 is replaced by proline, an amino acid with similar properties. This amino acid position is conserved. In addition, this alteration is predicted to be deleterious by in silico analysis. Based on the available evidence, the clinical significance of this variant remains unclear.